The following is an entry in ClinVar:

NM_001104631.2(PDE4D):c.*2100C>T

Gene: PDE4D (phosphodiesterase 4D; minus strand). Cytogenetic location: 5q11.2.
Variant type: single nucleotide variant.
Coding change: c.*2100C>T on transcript NM_001104631.2 (MANE Select); 2100 bases downstream of the stop codon, C replaced by T.
Molecular consequence: 3 prime UTR variant.
Genome position (GRCh38, 1-based): chr5:58,972,564, G>A on the plus strand (C>T on the coding strand, the complement: PDE4D is on the minus strand). VCF-style: chr5-58972564-G-A. GRCh37 (hg19) VCF-style: chr5-58268391-G-A.
Other names: c.*2100C>T (NM_001165899.2, NM_001197218.2, NM_001197219.2 and 11 more transcripts).
Identifiers: ClinVar variation 353950 (VCV000353950.29), dbSNP rs577109679, ClinGen allele CA10620616.

ClinVar aggregate classification (germline): Conflicting classifications of pathogenicity. Review status: criteria provided, conflicting classifications (1 of 4 stars). 2 submissions from 2 submitters: Uncertain significance (1); Benign (1). Last evaluated 2022-06-01.

Conditions:
Acrodysostosis 2 with or without hormone resistance. Also called: ACRODYSOSTOSIS 2 WITH HORMONE RESISTANCE; ACRODYSOSTOSIS 2 WITHOUT HORMONE RESISTANCE. Identifiers: Orphanet 280651, MedGen C3553250, MONDO:0013822, OMIM 614613.

Allele frequency attached by ClinVar (database versions not stated): 1000 Genomes Project 0.00040; 1000 Genomes Project 30x 0.00062; TOPMed 0.00253; gnomAD 0.00280 and 0.00281.

Submissions (2):

CeGaT Center for Human Genetics Tuebingen
Classification: Benign. Last evaluated: 2022-06-01. Review status: criteria provided, single submitter. Criteria: CeGaT Center For Human Genetics Tuebingen Variant Classification Criteria Version 2. Collection method: clinical testing. Allele origin: germline. Affected: yes. Observed: 2 variant alleles.
Comment: PDE4D: BS1, BS2

Illumina Laboratory Services, Illumina
Classification: Uncertain significance for Acrodysostosis 2 with or without hormone resistance. Last evaluated: 2018-01-12. Review status: criteria provided, single submitter. Criteria: ICSL Variant Classification Criteria 13 December 2019. Collection method: clinical testing. Allele origin: germline.